The following is an entry in ClinVar:

NM_020937.4(FANCM):c.4304T>C (p.Leu1435Ser)

Gene: FANCM (FA complementation group M; plus strand). Cytogenetic location: 14q21.2.
Variant type: single nucleotide variant.
Coding change: c.4304T>C on transcript NM_020937.4 (MANE Select); coding-DNA position 4304, T replaced by C.
Protein change: p.Leu1435Ser; replaces leucine 1435 with serine.
Molecular consequence: missense variant.
Genome position (GRCh38, 1-based): chr14:45,181,511, T>C. VCF-style: chr14-45181511-T-C. GRCh37 (hg19) VCF-style: chr14-45650714-T-C.
Other names: c.4226T>C, p.Leu1409Ser (NM_001308133.2); short protein forms L1435S, L1409S.
Identifiers: ClinVar variation 4022856 (VCV004022856.1).
Genomic context (GRCh38, chr14:45,181,511, plus strand): 5'-ACGAAAGTGAAGATGACGAGATTTTCCGAAGAAAAGTTAAAAGAGCAAAAGGAAATGTTT[T>C]AAACTCTCCTGAGGTGAGTCATTCAGTAATCACAATAGTATAATCATATCAAAGGCTATT-3'
Protein context (NP_065988.1, residues 1425-1445): RKVKRAKGNV[Leu1435Ser]NSPEDQKNSE

ClinVar aggregate classification (germline): Uncertain significance (1 of 4 stars; one submission).

Conditions:
Inborn genetic diseases. Identifiers: MedGen C0950123, MeSH D030342.

Submission:

Ambry Genetics
Classification: Uncertain significance for Inborn genetic diseases. Last evaluated: 2025-06-06. Review status: criteria provided, single submitter. Criteria: Ambry Variant Classification Scheme 2023. Collection method: clinical testing. Allele origin: germline.
Comment: The p.L1435S variant (also known as c.4304T>C), located in coding exon 15 of the FANCM gene, results from a T to C substitution at nucleotide position 4304. The leucine at codon 1435 is replaced by serine, an amino acid with dissimilar properties. This amino acid position is conserved. In addition, this alteration is predicted to be tolerated by in silico analysis. Based on the available evidence, the clinical significance of this variant remains unclear.